The following is an entry in ClinVar:

ClinVar aggregate classification (germline): Uncertain significance (1 of 4 stars; one submission).

gnomAD v4.1: 10 of 1,613,998 alleles (0.00062%); highest among the groups gnomAD compares: East Asian, 0.016%; no homozygotes.

Submission:

Mayo Clinic Laboratories, Mayo Clinic
Classification: Uncertain significance. Last evaluated: 2025-01-24. Review status: criteria provided, single submitter. Criteria: ACMG Guidelines, 2015. Collection method: clinical testing. Allele origin: germline. Observed: 1 variant allele.
Comment: PM2_supporting

NM_000289.6(PFKM):c.2141G>A (p.Arg714His)

Gene: PFKM (phosphofructokinase, muscle; plus strand). Cytogenetic location: 12q13.11.
Variant type: single nucleotide variant.
Coding change: c.2141G>A on transcript NM_000289.6 (MANE Select); coding-DNA position 2141, G replaced by A.
Protein change: p.Arg714His; replaces arginine 714 with histidine.
Molecular consequence: missense variant. On other transcripts: non-coding transcript variant (6).
Genome position (GRCh38, 1-based): chr12:48,145,258, G>A. VCF-style: chr12-48145258-G-A. GRCh37 (hg19) VCF-style: chr12-48539041-G-A.
Other names: p.Arg714His; c.2354G>A, p.Arg785His (NM_001166686.2, NM_001354737.1, NM_001354738.1 and 1 more transcripts); c.2141G>A, p.Arg714His (NM_001166687.2, NM_001166688.2, NM_001354742.2 and 2 more transcripts); c.2054G>A, p.Arg685His (NM_001354745.2); c.2015G>A, p.Arg672His (NM_001354746.2); c.1991G>A, p.Arg664His (NM_001354747.2, NM_001354748.2); c.2048G>A, p.Arg683His (NM_001363619.2); c.2261G>A, p.Arg754His (NM_001439058.1); and 3 more; short protein forms R664H, R683H, R722H, R785H, R762H, R672H, R685H, R817H.
Identifiers: ClinVar variation 4541713 (VCV004541713.1).